The following is an entry in ClinVar:

NM_005362.4(MAGEA3):c.266A>G (p.Asn89Ser)

Gene: MAGEA3 (MAGE family member A3). Cytogenetic location: Xq28.
Variant type: single nucleotide variant.
Coding change: c.266A>G on transcript NM_005362.4 (MANE Select); coding-DNA position 266, A replaced by G.
Protein change: p.Asn89Ser; replaces asparagine 89 with serine.
Molecular consequence: missense variant.
Genome position (GRCh38, 1-based): chrX:152,701,098, A>G. VCF-style: chrX-152701098-A-G. GRCh37 (hg19) VCF-style: chrX-151935901-T-C.
Other names: short protein forms N89S.
Identifiers: ClinVar variation 4548877 (VCV004548877.1).

ClinVar aggregate classification (germline): Uncertain significance (1 of 4 stars; one submission).

Submission:

Ambry Genetics
Classification: Uncertain significance. Last evaluated: 2025-10-07. Review status: criteria provided, single submitter. Criteria: Ambry Variant Classification Scheme 2023. Collection method: clinical testing. Allele origin: germline.
Comment: The c.266A>G (p.N89S) alteration is located in exon 3 (coding exon 1) of the MAGEA3 gene. This alteration results from a A to G substitution at nucleotide position 266, causing the asparagine (N) at amino acid position 89 to be replaced by a serine (S). Based on data from gnomAD, the G allele has an overall frequency of <0.001% (1/182948) total alleles studied. The highest observed frequency was 0.001% (1/81708) of European (non-Finnish) alleles. Based on insufficient or conflicting evidence, the clinical significance of this alteration remains unclear.